The following is an entry in ClinVar:

NM_194248.3(OTOF):c.1424A>G (p.Glu475Gly)

Gene: OTOF (otoferlin; minus strand). Cytogenetic location: 2p23.3.
Variant type: single nucleotide variant.
Coding change: c.1424A>G on transcript NM_194248.3 (MANE Select); coding-DNA position 1424, A replaced by G.
Protein change: p.Glu475Gly; replaces glutamic acid 475 with glycine.
Molecular consequence: missense variant.
Genome position (GRCh38, 1-based): chr2:26,482,561, T>C on the plus strand (A>G on the coding strand, the complement: OTOF is on the minus strand). VCF-style: chr2-26482561-T-C. GRCh37 (hg19) VCF-style: chr2-26705429-T-C.
Other names: c.1424A>G, p.Glu475Gly (NM_001287489.2); short protein forms E475G.
Identifiers: ClinVar variation 48168 (VCV000048168.32), dbSNP rs111033396, ClinGen allele CA142738.

ClinVar aggregate classification (germline): Conflicting classifications of pathogenicity. Review status: criteria provided, conflicting classifications (1 of 4 stars). 7 submissions from 7 submitters: Uncertain significance (1); Benign (3); Likely benign (2). 1 of the submissions does not count toward it. Last evaluated 2026-01-20.

Conditions:
OTOF-related disorder. Also called: OTOF-related condition.
Autosomal recessive nonsyndromic hearing loss 9. Also called: Deafness, autosomal recessive 9; AUDITORY NEUROPATHY, AUTOSOMAL RECESSIVE, 1, TEMPERATURE-SENSITIVE; NEUROSENSORY NONSYNDROMIC RECESSIVE DEAFNESS 9; OTOF-Related Hearing Loss. Identifiers: Orphanet 90636, MedGen C1832828, MONDO:0010986, OMIM 601071.

Allele frequency attached by ClinVar (database versions not stated): ESP Exome Variant Server 0.00015; gnomAD 0.00021; gnomAD exomes 0.00034 and 0.00182; 1000 Genomes Project 0.00040; 1000 Genomes Project 30x 0.00062; TOPMed 0.00082; ExAC 0.00165.

Submissions (7):

Labcorp Genetics (formerly Invitae), Labcorp
Classification: Benign. Last evaluated: 2026-01-20. Review status: criteria provided, single submitter. Criteria: Invitae Variant Classification Sherloc (09022015). Collection method: clinical testing. Allele origin: germline.

ARUP Laboratories, Molecular Genetics and Genomics, ARUP Laboratories
Classification: Likely benign. Last evaluated: 2020-07-09. Review status: criteria provided, single submitter. Criteria: ARUP Molecular Germline Variant Investigation Process. Collection method: clinical testing. Allele origin: germline.

GeneDx
Classification: Benign. Last evaluated: 2019-02-12. Review status: criteria provided, single submitter. Criteria: GeneDx Variant Classification Process June 2021. Collection method: clinical testing. Allele origin: germline. Affected: yes.

Illumina Laboratory Services, Illumina
Classification: Uncertain significance for Autosomal recessive nonsyndromic hearing loss 9. Last evaluated: 2018-01-13. Review status: criteria provided, single submitter. Criteria: ICSL Variant Classification Criteria 13 December 2019. Collection method: clinical testing. Allele origin: germline.

Center for Pediatric Genomic Medicine, Children's Mercy Hospital and Clinics
Classification: Likely benign. Last evaluated: 2016-06-29. Review status: criteria provided, single submitter. Criteria: ACMG Guidelines, 2015. Collection method: clinical testing. Allele origin: germline.
ClinVar note: Converted during submission from Likely Benign to Likely benign.

Laboratory for Molecular Medicine, Mass General Brigham Personalized Medicine
Classification: Benign. Last evaluated: 2015-06-18. Review status: criteria provided, single submitter. Criteria: LMM Criteria. Collection method: clinical testing. Allele origin: germline. Observed: 5 variant alleles.
Comment: p.Glu475Gly in exon 14 of OTOF: This variant is not expected to have clinical si gnificance because it has been identified in 1.7% (192/11548) of Latino chromoso mes by the Exome Aggregation Consortium (ExAC; d bSNP rs111033396).

PreventionGenetics, part of Exact Sciences
Classification: Benign for OTOF-related condition. Last evaluated: 2019-08-13. Review status: no assertion criteria provided. Collection method: clinical testing. Allele origin: germline. Not counted in ClinVar's aggregate classification.
Comment: This variant is classified as benign based on ACMG/AMP sequence variant interpretation guidelines (Richards et al. 2015 PMID: 25741868, with internal and published modifications).